The following is an entry in ClinVar:

ClinVar aggregate classification (germline): Uncertain significance (1 of 4 stars; one submission).

Conditions:
Hereditary cancer-predisposing syndrome. Also called: Hereditary Cancer Syndrome; Neoplastic Syndromes, Hereditary; Tumor predisposition; Hereditary neoplastic syndrome. Identifiers: Orphanet 140162, MedGen C0027672, MeSH D009386, MONDO:0015356.

Submission:

Ambry Genetics
Classification: Uncertain significance for Hereditary cancer-predisposing syndrome. Last evaluated: 2026-07-25. Review status: criteria provided, single submitter. Criteria: Ambry Variant Classification Scheme 2023. Collection method: clinical testing. Allele origin: germline.
Comment: The p.F511Y variant (also known as c.1532T>A), located in coding exon 7 of the ALK gene, results from a T to A substitution at nucleotide position 1532. The phenylalanine at codon 511 is replaced by tyrosine, an amino acid with highly similar properties. This amino acid position is conserved. In addition, this alteration is predicted to be tolerated by in silico analysis. Based on the available evidence, the clinical significance of this variant remains unclear.

NM_004304.5(ALK):c.1532T>A (p.Phe511Tyr)

Gene: ALK (ALK receptor tyrosine kinase; minus strand). Cytogenetic location: 2p23.2.
Variant type: single nucleotide variant.
Coding change: c.1532T>A on transcript NM_004304.5 (MANE Select); coding-DNA position 1532, T replaced by A.
Protein change: p.Phe511Tyr; replaces phenylalanine 511 with tyrosine.
Molecular consequence: missense variant.
Genome position (GRCh38, 1-based): chr2:29,320,765, A>T on the plus strand (T>A on the coding strand, the complement: ALK is on the minus strand). VCF-style: chr2-29320765-A-T. GRCh37 (hg19) VCF-style: chr2-29543631-A-T.
Other names: short protein forms F511Y.
Identifiers: ClinVar variation 5035363 (VCV005035363.1).